The following is an entry in ClinVar:

NM_001012338.3(NTRK3):c.1503G>A (p.Val501=)

Gene: NTRK3 (neurotrophic receptor tyrosine kinase 3; minus strand). Cytogenetic location: 15q25.3.
Variant type: single nucleotide variant.
Coding change: c.1503G>A on transcript NM_001012338.3 (MANE Select); coding-DNA position 1503, G replaced by A.
Protein change: p.Val501=; no amino-acid change (valine 501 retained).
Molecular consequence: synonymous variant.
Genome position (GRCh38, 1-based): chr15:88,032,939, C>T on the plus strand (G>A on the coding strand, the complement: NTRK3 is on the minus strand). VCF-style: chr15-88032939-C-T. GRCh37 (hg19) VCF-style: chr15-88576170-C-T.
Other names: c.1503G>A, p.Val501= (NM_001007156.3, NM_001320134.1, NM_001375810.1 and 3 more transcripts); c.1479G>A, p.Val493= (NM_001243101.2, NM_001375812.1, NM_001375814.1); c.1209G>A, p.Val403= (NM_001320135.2).
Identifiers: ClinVar variation 784618 (VCV000784618.5), dbSNP rs201918746, ClinGen allele CA7716862.
Genomic context (GRCh38, chr15:88,032,939, plus strand): 5'-GTGTCCCTGACGGAAGTACTGGGGGTTCTCAATGACAGGGATGCGAGTCATGCCAATGAC[C>T]ACAGTGTCGGGCCCGGCATCCAGTGACGAGGGCGTGGTGATGCCGTGGTTGATGTGGTGC-3'
Protein context (NP_001012338.1, residues 491-511): PSSLDAGPDT[Val501=]VIGMTRIPVI

ClinVar aggregate classification (germline): Benign. Review status: criteria provided, single submitter (1 of 4 stars). 2 submissions from 2 submitters: Benign (1). 1 of the submissions does not count toward it. Last evaluated 2018-05-31.

Conditions:
NTRK3-related disorder. Also called: NTRK3-related condition.

Allele frequency attached by ClinVar (database versions not stated): 1000 Genomes Project 30x 0.00016; gnomAD 0.00017 and 0.00018; 1000 Genomes Project 0.00020; gnomAD exomes 0.00030 and 0.00151; TOPMed 0.00066; ExAC 0.00137.
gnomAD v4.1: 456 of 1,613,534 alleles (0.028%); highest among the groups gnomAD compares: Admixed American, 0.75%; 4 homozygotes.

Submissions (2):

Labcorp Genetics (formerly Invitae), Labcorp
Classification: Benign. Last evaluated: 2018-05-31. Review status: criteria provided, single submitter. Criteria: Invitae Variant Classification Sherloc (09022015). Collection method: clinical testing. Allele origin: germline.

PreventionGenetics, part of Exact Sciences
Classification: Benign for NTRK3-related condition. Last evaluated: 2019-10-28. Review status: no assertion criteria provided. Collection method: clinical testing. Allele origin: germline. Not counted in ClinVar's aggregate classification.
Comment: This variant is classified as benign based on ACMG/AMP sequence variant interpretation guidelines (Richards et al. 2015 PMID: 25741868, with internal and published modifications).